The following is an entry in ClinVar:

NM_001365951.3(KIF1B):c.3499T>C (p.Tyr1167His)

Gene: KIF1B (kinesin family member 1B; plus strand). Cytogenetic location: 1p36.22.
Variant type: single nucleotide variant.
Coding change: c.3499T>C on transcript NM_001365951.3 (MANE Select); coding-DNA position 3499, T replaced by C.
Protein change: p.Tyr1167His; replaces tyrosine 1167 with histidine.
Molecular consequence: missense variant.
Genome position (GRCh38, 1-based): chr1:10,339,845, T>C. VCF-style: chr1-10339845-T-C. GRCh37 (hg19) VCF-style: chr1-10399903-T-C.
Other names: c.3499T>C, p.Tyr1167His (NM_001365952.1); c.3361T>C, p.Tyr1121His (NM_015074.3); short protein forms Y1167H, Y1121H.
Identifiers: ClinVar variation 2625698 (VCV002625698.2), dbSNP rs2521738218, ClinGen allele CA338341194.

ClinVar aggregate classification (germline): Uncertain significance (1 of 4 stars; one submission).

Submission:

Ambry Genetics
Classification: Uncertain significance. Last evaluated: 2023-06-30. Review status: criteria provided, single submitter. Criteria: Ambry Variant Classification Scheme 2023. Collection method: clinical testing. Allele origin: germline.
Comment: The p.Y1121H variant (also known as c.3361T>C), located in coding exon 29 of the KIF1B gene, results from a T to C substitution at nucleotide position 3361. The tyrosine at codon 1121 is replaced by histidine, an amino acid with similar properties. This amino acid position is conserved. In addition, this alteration is predicted to be deleterious by in silico analysis. Since supporting evidence is limited at this time, the clinical significance of this alteration remains unclear.